The following is an entry in ClinVar:

NM_006363.6(SEC23B):c.1831C>T (p.Arg611Trp)

Gene: SEC23B (SEC23 homolog B, COPII component; plus strand). Cytogenetic location: 20p11.23.
Variant type: single nucleotide variant.
Coding change: c.1831C>T on transcript NM_006363.6 (MANE Select); coding-DNA position 1831, C replaced by T.
Protein change: p.Arg611Trp; replaces arginine 611 with tryptophan.
Molecular consequence: missense variant.
Genome position (GRCh38, 1-based): chr20:18,548,696, C>T. VCF-style: chr20-18548696-C-T. GRCh37 (hg19) VCF-style: chr20-18529340-C-T.
Other names: c.1831C>T, p.Arg611Trp (NM_001172745.3, NM_032985.6, NM_032986.5); c.1777C>T, p.Arg593Trp (NM_001172746.3); short protein forms R593W, R611W.
Identifiers: ClinVar variation 2435789 (VCV002435789.6), dbSNP rs771826357, ClinGen allele CA9778506.

ClinVar aggregate classification (germline): Uncertain significance. Review status: criteria provided, multiple submitters, no conflicts (2 of 4 stars). 3 submissions from 3 submitters: Uncertain significance (3). Last evaluated 2024-10-03.

Conditions:
Congenital dyserythropoietic anemia, type II (CDAN2). Also called: DYSERYTHROPOIETIC ANEMIA, HEMPAS TYPE. Identifiers: Orphanet 98873, MedGen C1306589, MONDO:0009134, OMIM 224100.
Cowden syndrome 7 (CWS7). Identifiers: Orphanet 201, MedGen C4225179, MONDO:0014802, OMIM 616858.

Allele frequency attached by ClinVar (database versions not stated): gnomAD 0.00001; ExAC 0.00002; gnomAD exomes 0.00002.
gnomAD v4.1: 31 of 1,613,944 alleles (0.0019%); highest among the groups gnomAD compares: South Asian, 0.0055%; no homozygotes.

Submissions (3):

Labcorp Genetics (formerly Invitae), Labcorp
Classification: Uncertain significance for Congenital dyserythropoietic anemia, type II; Cowden syndrome 7. Last evaluated: 2024-10-03. Review status: criteria provided, single submitter. Criteria: Invitae Variant Classification Sherloc (09022015). Collection method: clinical testing. Allele origin: germline.
Comment: This sequence change replaces arginine, which is basic and polar, with tryptophan, which is neutral and slightly polar, at codon 611 of the SEC23B protein (p.Arg611Trp). This variant is present in population databases (rs771826357, gnomAD 0.01%). This missense change has been observed in individual(s) with clinical features of congenital dyserythropoietic anemia type II (PMID: 29188620, 34365611). ClinVar contains an entry for this variant (Variation ID: 2435789). Invitae Evidence Modeling of protein sequence and biophysical properties (such as structural, functional, and spatial information, amino acid conservation, physicochemical variation, residue mobility, and thermodynamic stability) has been performed for this missense variant. However, the output from this modeling did not meet the statistical confidence thresholds required to predict the impact of this variant on SEC23B protein function. This variant disrupts the p.Arg611 amino acid residue in SEC23B. Other variant(s) that disrupt this residue have been observed in individuals with SEC23B-related conditions (PMID: 20941788, 29901818), which suggests that this may be a clinically significant amino acid residue. In summary, the available evidence is currently insufficient to determine the role of this variant in disease. Therefore, it has been classified as a Variant of Uncertain Significance.

Blueprint Genetics
Classification: Uncertain significance. Last evaluated: 2023-12-21. Review status: criteria provided, single submitter. Criteria: ACMG Guidelines, 2015. Collection method: clinical testing. Allele origin: germline.

Revvity Omics, Revvity
Classification: Uncertain significance. Last evaluated: 2023-07-19. Review status: criteria provided, single submitter. Criteria: ACMG Guidelines, 2015. Collection method: clinical testing. Allele origin: germline.

Literature cited by the submitters: PubMed 29188620 (cited by Labcorp Genetics (formerly Invitae), Labcorp); PubMed 34365611 (cited by Labcorp Genetics (formerly Invitae), Labcorp); PubMed 20941788 (cited by Labcorp Genetics (formerly Invitae), Labcorp); PubMed 29901818 (cited by Labcorp Genetics (formerly Invitae), Labcorp).